The following is an entry in ClinVar:

ClinVar aggregate classification (germline): Uncertain significance (1 of 4 stars; one submission).

Submission:

Ambry Genetics
Classification: Uncertain significance. Last evaluated: 2023-04-18. Review status: criteria provided, single submitter. Criteria: Ambry Variant Classification Scheme 2023. Collection method: clinical testing. Allele origin: germline.
Comment: The p.G314R variant (also known as c.940G>A), located in coding exon 7 of the RECQL gene, results from a G to A substitution at nucleotide position 940. The glycine at codon 314 is replaced by arginine, an amino acid with dissimilar properties. This amino acid position is conserved. In addition, the in silico prediction for this alteration is inconclusive. Since supporting evidence is limited at this time, the clinical significance of this alteration remains unclear.

NM_002907.4(RECQL):c.940G>A (p.Gly314Arg)

Gene: RECQL (RecQ like helicase; minus strand). Cytogenetic location: 12p12.1.
Variant type: single nucleotide variant.
Coding change: c.940G>A on transcript NM_002907.4 (MANE Select); coding-DNA position 940, G replaced by A.
Protein change: p.Gly314Arg; replaces glycine 314 with arginine.
Molecular consequence: missense variant.
Genome position (GRCh38, 1-based): chr12:21,476,920, C>T on the plus strand (G>A on the coding strand, the complement: RECQL is on the minus strand). VCF-style: chr12-21476920-C-T. GRCh37 (hg19) VCF-style: chr12-21629854-C-T.
Other names: c.940G>A, p.Gly314Arg (NM_032941.3); short protein forms G314R.
Identifiers: ClinVar variation 2565571 (VCV002565571.2), dbSNP rs2540351606, ClinGen allele CA384122853.